The following is an entry in ClinVar:

NM_003482.4(KMT2D):c.14643+3A>T

Gene: KMT2D (lysine methyltransferase 2D; minus strand). Cytogenetic location: 12q13.12.
Variant type: single nucleotide variant.
Coding change: c.14643+3A>T on transcript NM_003482.4 (MANE Select); 3 bases into the intron after coding-DNA position 14643, A replaced by T.
Molecular consequence: intron variant.
Genome position (GRCh38, 1-based): chr12:49,027,800, T>A on the plus strand (A>T on the coding strand, the complement: KMT2D is on the minus strand). VCF-style: chr12-49027800-T-A. GRCh37 (hg19) VCF-style: chr12-49421583-T-A.
Other names: c.14643+3A>T (NM_003482.3).
Identifiers: ClinVar variation 1202526 (VCV001202526.12), dbSNP rs374232950, ClinGen allele CA6545700.

ClinVar aggregate classification (germline): Conflicting classifications of pathogenicity. Review status: criteria provided, conflicting classifications (1 of 4 stars). 5 submissions from 5 submitters: Uncertain significance (2); Likely benign (2). 1 of the submissions does not count toward it. Last evaluated 2025-07-30.

Conditions:
Choanal atresia-athelia-hypothyroidism-delayed puberty-short stature syndrome (BCAHH). Also called: BRANCHIAL ARCH ABNORMALITIES, CHOANAL ATRESIA, ATHELIA, HEARING LOSS, AND HYPOTHYROIDISM SYNDROME. Identifiers: Orphanet 589856, MedGen C5680310, MONDO:0035651, OMIM 620186.
Kabuki syndrome 1 (KABUK1). Also called: KMT2D-Related Kabuki Syndrome. Identifiers: Orphanet 2322, MedGen CN030661, MONDO:0007843, OMIM 147920.
KMT2D-related disorder. Also called: KMT2D-Related Disorders.
Kabuki syndrome. Also called: NIIKAWA-KUROKI SYNDROME; Kabuki make-up syndrome. Identifiers: Orphanet 2322, MedGen C0796004, MONDO:0016512.

Allele frequency attached by ClinVar (database versions not stated): gnomAD exomes 0.00002; ExAC 0.00004; ESP Exome Variant Server 0.00008; gnomAD 0.00008 and 0.00011; TOPMed 0.00011.
gnomAD v4.1: 20 of 1,560,260 alleles (0.0013%); highest among the groups gnomAD compares: African/African-American, 0.02%; no homozygotes.

Submissions (5):

Labcorp Genetics (formerly Invitae), Labcorp
Classification: Uncertain significance for Kabuki syndrome. Last evaluated: 2025-07-30. Review status: criteria provided, single submitter. Criteria: Invitae Variant Classification Sherloc (09022015). Collection method: clinical testing. Allele origin: germline.
Comment: This sequence change falls in intron 47 of the KMT2D gene. It does not directly change the encoded amino acid sequence of the KMT2D protein. It affects a nucleotide within the consensus splice site. This variant is present in population databases (rs374232950, gnomAD 0.02%). This variant has not been reported in the literature in individuals affected with KMT2D-related conditions. ClinVar contains an entry for this variant (Variation ID: 1202526). Variants that disrupt the consensus splice site are a relatively common cause of aberrant splicing (PMID: 17576681, 9536098). Algorithms developed to predict the effect of sequence changes on RNA splicing suggest that this variant is not likely to affect RNA splicing. In summary, the available evidence is currently insufficient to determine the role of this variant in disease. Therefore, it has been classified as a Variant of Uncertain Significance.

Fulgent Genetics
Classification: Likely benign for Kabuki syndrome 1; Choanal atresia-athelia-hypothyroidism-delayed puberty-short stature syndrome. Last evaluated: 2024-04-25. Review status: criteria provided, single submitter. Criteria: ACMG Guidelines, 2015. Collection method: clinical testing. Allele origin: germline.

Revvity Omics, Revvity
Classification: Uncertain significance. Last evaluated: 2021-08-26. Review status: criteria provided, single submitter. Criteria: ACMG Guidelines, 2015. Collection method: clinical testing. Allele origin: germline.

GeneDx
Classification: Likely benign. Last evaluated: 2020-04-16. Review status: criteria provided, single submitter. Criteria: GeneDx Variant Classification Process June 2021. Collection method: clinical testing. Allele origin: germline. Affected: yes.

PreventionGenetics, part of Exact Sciences
Classification: Likely benign for KMT2D-related condition. Last evaluated: 2021-08-31. Review status: no assertion criteria provided. Collection method: clinical testing. Allele origin: germline. Not counted in ClinVar's aggregate classification.
Comment: This variant is classified as likely benign based on ACMG/AMP sequence variant interpretation guidelines (Richards et al. 2015 PMID: 25741868, with internal and published modifications).

Literature cited by the submitters: PubMed 17576681 (cited by Labcorp Genetics (formerly Invitae), Labcorp); PubMed 9536098 (cited by Labcorp Genetics (formerly Invitae), Labcorp).